The following is an entry in ClinVar:

NM_003985.6(TNK1):c.1185C>T (p.Gly395=)

Gene: TNK1 (tyrosine kinase non receptor 1; plus strand). Cytogenetic location: 17p13.1.
Variant type: single nucleotide variant.
Coding change: c.1185C>T on transcript NM_003985.6 (MANE Select); coding-DNA position 1185, C replaced by T.
Protein change: p.Gly395=; no amino-acid change (glycine 395 retained).
Molecular consequence: synonymous variant.
Genome position (GRCh38, 1-based): chr17:7,386,608, C>T. VCF-style: chr17-7386608-C-T. GRCh37 (hg19) VCF-style: chr17-7289927-C-T.
Other names: NC_000017.10:g.7289927C>T; c.1185C>T, p.Gly395= (NM_001251902.3).
Identifiers: ClinVar variation 3050252 (VCV003050252.3), dbSNP rs78397675, ClinGen allele CA8345114.

ClinVar aggregate classification (germline): Benign (0 of 4 stars; one submission).

Conditions:
TNK1-related disorder. Also called: TNK1-related condition.

Allele frequency attached by ClinVar (database versions not stated): ExAC 0.00251; TOPMed 0.00510; ESP Exome Variant Server 0.00535; 1000 Genomes Project 0.00339; 1000 Genomes Project 30x 0.00406; gnomAD 0.00451.
gnomAD v4.1: 1,324 of 1,604,072 alleles (0.083%); highest among the groups gnomAD compares: African/African-American, 1.6%; 13 homozygotes.

Submissions (2):

PreventionGenetics, part of Exact Sciences
Classification: Benign for TNK1-related condition. Last evaluated: 2019-07-12. Review status: no assertion criteria provided. Collection method: clinical testing. Allele origin: germline.
Comment: This variant is classified as benign based on ACMG/AMP sequence variant interpretation guidelines (Richards et al. 2015 PMID: 25741868, with internal and published modifications).

Dr. Peter K. Rogan Lab, Western University
No classification provided (evidence only). Condition: Hepatocellular carcinoma. Review status: no classification provided. Collection method: in vitro. Allele origin: not applicable. Functional consequence: retained intron. Not counted in ClinVar's aggregate classification.